The following is an entry in ClinVar:

ClinVar aggregate classification (germline): Uncertain significance (1 of 4 stars; one submission).

Conditions:
Autosomal recessive limb-girdle muscular dystrophy type 2F (LGMDR6). Also called: MUSCULAR DYSTROPHY, LIMB-GIRDLE, AUTOSOMAL RECESSIVE 6; Muscular dystrophy limb-girdle with delta-sarcoglyan deficiency. Identifiers: Orphanet 219, MedGen C1832525, MONDO:0011028, OMIM 601287. Disease mechanism: Affects gamma-sarcoglycan and also disrupts the integrity of the entire sarcoglycan complex..

Allele frequency attached by ClinVar (database versions not stated): gnomAD exomes below 0.00001.
gnomAD v4.1: 1 of 1,530,356 alleles (0.000065%); highest among the groups gnomAD compares: East Asian, 0.0023%; no homozygotes.

Submission:

Labcorp Genetics (formerly Invitae), Labcorp
Classification: Uncertain significance for Autosomal recessive limb-girdle muscular dystrophy type 2F. Last evaluated: 2024-11-23. Review status: criteria provided, single submitter. Criteria: Invitae Variant Classification Sherloc (09022015). Collection method: clinical testing. Allele origin: germline.
Comment: This sequence change falls in intron 5 of the SGCD gene. It does not directly change the encoded amino acid sequence of the SGCD protein. It affects a nucleotide within the consensus splice site. The frequency data for this variant in the population databases is considered unreliable, as metrics indicate poor data quality at this position in the gnomAD database. This variant has not been reported in the literature in individuals affected with SGCD-related conditions. ClinVar contains an entry for this variant (Variation ID: 1926175). Variants that disrupt the consensus splice site are a relatively common cause of aberrant splicing (PMID: 17576681, 9536098). Algorithms developed to predict the effect of sequence changes on RNA splicing suggest that this variant is not likely to affect RNA splicing. In summary, the available evidence is currently insufficient to determine the role of this variant in disease. Therefore, it has been classified as a Variant of Uncertain Significance.

Literature cited by the submitters: PubMed 17576681; PubMed 9536098.

NM_000337.6(SGCD):c.382+4A>G

Gene: SGCD (sarcoglycan delta; plus strand). Cytogenetic location: 5q33.3.
Variant type: single nucleotide variant.
Coding change: c.382+4A>G on transcript NM_000337.6 (MANE Select); 4 bases into the intron after coding-DNA position 382, A replaced by G.
Molecular consequence: intron variant.
Genome position (GRCh38, 1-based): chr5:156,589,322, A>G. VCF-style: chr5-156589322-A-G. GRCh37 (hg19) VCF-style: chr5-156016332-A-G.
Other names: c.379+4A>G (NM_001128209.2); c.382+4A>G (NM_172244.3).
Identifiers: ClinVar variation 1926175 (VCV001926175.4), dbSNP rs1337732764, ClinGen allele CA563936216.